The following is an entry in ClinVar:

ClinVar aggregate classification (germline): Likely pathogenic (1 of 4 stars; one submission).

Conditions:
Hereditary factor XI deficiency disease. Also called: Congenital factor XI deficiency; PLASMA THROMBOPLASTIN ANTECEDENT DEFICIENCY; PTA DEFICIENCY; ROSENTHAL SYNDROME. Identifiers: Orphanet 329, MedGen C0015523, MeSH D005173, MONDO:0012897, OMIM 612416.

Submission:

Myriad Genetics, Inc.
Classification: Likely pathogenic for Hereditary factor XI deficiency disease. Last evaluated: 2022-01-02. Review status: criteria provided, single submitter. Criteria: Myriad Women's Health Autosomal Recessive and X-Linked Classification Criteria (2021). Collection method: clinical testing. Allele origin: unknown.
Comment: NM_000128.3(F11):c.879_880delTTinsAATA(S294Ifs*56) is expected to be pathogenic in the context of factor XI deficiency. This variant is predicted to lead to an abnormal or absent protein product due to the creation of a premature termination codon in F11, a gene where loss-of-function variants are known to be pathogenic. Please note: this variant was assessed in the context of healthy population screening.

NM_000128.4(F11):c.879_880delinsAATA (p.Ser294fs)

Gene: F11 (coagulation factor XI; plus strand). Cytogenetic location: 4q35.2.
Variant type: Indel.
Coding change: c.879_880delinsAATA on transcript NM_000128.4 (MANE Select); coding-DNA positions 879 to 880, TT replaced by AATA.
Protein change: p.Ser294fs; shifts the reading frame from serine 294.
Molecular consequence: frameshift variant.
Genome position (GRCh38, 1-based): chr4:186,280,236-186,280,237, TT replaced by AATA. VCF-style: chr4-186280236-TT-AATA. GRCh37 (hg19) VCF-style: chr4-187201390-TT-AATA.
Other names: short protein forms S294fs.
Identifiers: ClinVar variation 1726788 (VCV001726788.2), dbSNP rs2477327654, ClinGen allele CA2580071712.